The following is an entry in ClinVar:

NM_006231.4(POLE):c.317T>A (p.Ile106Asn)

Gene: POLE (DNA polymerase epsilon, catalytic subunit; minus strand). Cytogenetic location: 12q24.33.
Variant type: single nucleotide variant.
Coding change: c.317T>A on transcript NM_006231.4 (MANE Select); coding-DNA position 317, T replaced by A.
Protein change: p.Ile106Asn; replaces isoleucine 106 with asparagine.
Molecular consequence: missense variant.
Genome position (GRCh38, 1-based): chr12:132,680,191, A>T on the plus strand (T>A on the coding strand, the complement: POLE is on the minus strand). VCF-style: chr12-132680191-A-T. GRCh37 (hg19) VCF-style: chr12-133256777-A-T.
Other names: short protein forms I106N.
Identifiers: ClinVar variation 1423057 (VCV001423057.8), dbSNP rs1593086361, ClinGen allele CA387368637.

ClinVar aggregate classification (germline): Uncertain significance (1 of 4 stars; one submission).

gnomAD v4.1: 2 of 1,614,156 alleles (0.00012%); highest among the groups gnomAD compares: Non-Finnish European, 0.00017%; no homozygotes.

Submission:

Labcorp Genetics (formerly Invitae), Labcorp
Classification: Uncertain significance. Last evaluated: 2021-02-13. Review status: criteria provided, single submitter. Criteria: Invitae Variant Classification Sherloc (09022015). Collection method: clinical testing. Allele origin: germline.
Comment: In summary, the available evidence is currently insufficient to determine the role of this variant in disease. Therefore, it has been classified as a Variant of Uncertain Significance. Algorithms developed to predict the effect of missense changes on protein structure and function are either unavailable or do not agree on the potential impact of this missense change (SIFT: "Deleterious"; PolyPhen-2: "Probably Damaging"; Align-GVGD: "Class C0"). This variant has not been reported in the literature in individuals with POLE-related conditions. This variant is not present in population databases (ExAC no frequency). This sequence change replaces isoleucine with asparagine at codon 106 of the POLE protein (p.Ile106Asn). The isoleucine residue is moderately conserved and there is a large physicochemical difference between isoleucine and asparagine.